The following is an entry in ClinVar:

NM_176824.3(BBS7):c.635C>T (p.Ser212Leu)

Gene: BBS7 (Bardet-Biedl syndrome 7; minus strand). Cytogenetic location: 4q27.
Variant type: single nucleotide variant.
Coding change: c.635C>T on transcript NM_176824.3 (MANE Select); coding-DNA position 635, C replaced by T.
Protein change: p.Ser212Leu; replaces serine 212 with leucine.
Molecular consequence: missense variant.
Genome position (GRCh38, 1-based): chr4:121,854,787, G>A on the plus strand (C>T on the coding strand, the complement: BBS7 is on the minus strand). VCF-style: chr4-121854787-G-A. GRCh37 (hg19) VCF-style: chr4-122775942-G-A.
Other names: c.635C>T, p.Ser212Leu (NM_018190.4); short protein forms S212L.
Identifiers: ClinVar variation 2863775 (VCV002863775.3), dbSNP rs147752059, ClinGen allele CA358066099.

ClinVar aggregate classification (germline): Uncertain significance (1 of 4 stars; one submission).

Conditions:
Bardet-Biedl syndrome (BBS). Identifiers: Orphanet 110, MedGen C0752166, MONDO:0015229.

gnomAD v4.1: 4 of 1,612,456 alleles (0.00025%); highest among the groups gnomAD compares: South Asian, 0.0011%; no homozygotes.

Submission:

Labcorp Genetics (formerly Invitae), Labcorp
Classification: Uncertain significance for Bardet-Biedl syndrome. Last evaluated: 2023-09-07. Review status: criteria provided, single submitter. Criteria: Invitae Variant Classification Sherloc (09022015). Collection method: clinical testing. Allele origin: germline.
Comment: In summary, the available evidence is currently insufficient to determine the role of this variant in disease. Therefore, it has been classified as a Variant of Uncertain Significance. This sequence change replaces serine, which is neutral and polar, with leucine, which is neutral and non-polar, at codon 212 of the BBS7 protein (p.Ser212Leu). Advanced modeling of protein sequence and biophysical properties (such as structural, functional, and spatial information, amino acid conservation, physicochemical variation, residue mobility, and thermodynamic stability) performed at Invitae indicates that this missense variant is not expected to disrupt BBS7 protein function. This variant has not been reported in the literature in individuals affected with BBS7-related conditions. The frequency data for this variant in the population databases is considered unreliable, as metrics indicate poor data quality at this position in the gnomAD database.